The following is an entry in ClinVar:

NM_001323289.2(CDKL5):c.1396C>T (p.Arg466Trp)

Gene: CDKL5 (cyclin dependent kinase like 5; plus strand). Cytogenetic location: Xp22.13.
Variant type: single nucleotide variant.
Coding change: c.1396C>T on transcript NM_001323289.2 (MANE Select); coding-DNA position 1396, C replaced by T.
Protein change: p.Arg466Trp; replaces arginine 466 with tryptophan.
Molecular consequence: missense variant.
Genome position (GRCh38, 1-based): chrX:18,604,320, C>T. VCF-style: chrX-18604320-C-T. GRCh37 (hg19) VCF-style: chrX-18622440-C-T.
Other names: c.1396C>T, p.Arg466Trp (NM_001037343.2, NM_003159.3); short protein forms R466W.
Identifiers: ClinVar variation 1429689 (VCV001429689.6), dbSNP rs1310879766, ClinGen allele CA412360726.

ClinVar aggregate classification (germline): Uncertain significance (1 of 4 stars; one submission).

Conditions:
Angelman syndrome-like. Identifiers: MedGen CN128785.
Developmental and epileptic encephalopathy, 2 (DEE2). Also called: INFANTILE SPASM SYNDROME, X-LINKED 2; CDKL5 deficiency disorder. Identifiers: Orphanet 1934, Orphanet 3451, Orphanet 505652, MedGen C4750718, MONDO:0010396, OMIM 300672.

Allele frequency attached by ClinVar (database versions not stated): gnomAD exomes 0.00001; TOPMed 0.00001; gnomAD 0.00002.
gnomAD v4.1: 12 of 1,208,852 alleles (0.00099%); highest among the groups gnomAD compares: East Asian, 0.003%; no homozygotes.

Submission:

Labcorp Genetics (formerly Invitae), Labcorp
Classification: Uncertain significance for Developmental and epileptic encephalopathy, 2; Angelman syndrome-like. Last evaluated: 2022-02-10. Review status: criteria provided, single submitter. Criteria: Invitae Variant Classification Sherloc (09022015). Collection method: clinical testing. Allele origin: germline.
Comment: Algorithms developed to predict the effect of missense changes on protein structure and function (SIFT, PolyPhen-2, Align-GVGD) all suggest that this variant is likely to be disruptive. In summary, the available evidence is currently insufficient to determine the role of this variant in disease. Therefore, it has been classified as a Variant of Uncertain Significance. This variant has not been reported in the literature in individuals affected with CDKL5-related conditions. This sequence change replaces arginine, which is basic and polar, with tryptophan, which is neutral and slightly polar, at codon 466 of the CDKL5 protein (p.Arg466Trp). This variant is not present in population databases (gnomAD no frequency).